The following is an entry in ClinVar:

ClinVar aggregate classification (germline): Uncertain significance (1 of 4 stars; one submission).

Conditions:
Early-onset Lafora body disease. Also called: Epilepsy, progressive myoclonic, 10. Identifiers: Orphanet 324290, MedGen C4225258, MONDO:0014717, OMIM 616640.

Submission:

Labcorp Genetics (formerly Invitae), Labcorp
Classification: Uncertain significance for Early-onset Lafora body disease. Last evaluated: 2019-12-08. Review status: criteria provided, single submitter. Criteria: Invitae Variant Classification Sherloc (09022015). Collection method: clinical testing. Allele origin: germline.
Comment: In summary, the available evidence is currently insufficient to determine the role of this variant in disease. Therefore, it has been classified as a Variant of Uncertain Significance. Algorithms developed to predict the effect of missense changes on protein structure and function are either unavailable or do not agree on the potential impact of this missense change (SIFT: "Deleterious"; PolyPhen-2: "Benign"; Align-GVGD: "Class C0"). This variant has not been reported in the literature in individuals with PRDM8-related conditions. The frequency data for this variant in the population databases is considered unreliable, as metrics indicate insufficient coverage at this position in the ExAC database. This sequence change replaces proline with leucine at codon 342 of the PRDM8 protein (p.Pro342Leu). The proline residue is moderately conserved and there is a moderate physicochemical difference between proline and leucine.

NM_001099403.2(PRDM8):c.1025C>T (p.Pro342Leu)

Gene: PRDM8 (PR/SET domain 8; plus strand). Cytogenetic location: 4q21.21.
Variant type: single nucleotide variant.
Coding change: c.1025C>T on transcript NM_001099403.2 (MANE Select); coding-DNA position 1025, C replaced by T.
Protein change: p.Pro342Leu; replaces proline 342 with leucine.
Molecular consequence: missense variant.
Genome position (GRCh38, 1-based): chr4:80,202,487, C>T. VCF-style: chr4-80202487-C-T. GRCh37 (hg19) VCF-style: chr4-81123641-C-T.
Other names: c.1025C>T, p.Pro342Leu (NM_020226.4); short protein forms P342L.
Identifiers: ClinVar variation 846963 (VCV000846963.9), dbSNP rs1236884779, ClinGen allele CA357397812.